The following is an entry in ClinVar:

NM_153717.3(EVC):c.1746_1747del (p.Phe583fs)

Gene: EVC (EvC ciliary complex subunit 1; plus strand). Cytogenetic location: 4p16.2.
Variant type: Microsatellite.
Coding change: c.1746_1747del on transcript NM_153717.3 (MANE Select); coding-DNA positions 1746 to 1747, 2 bases deleted (CT; older notation c.1746_1747delCT).
Protein change: p.Phe583fs; shifts the reading frame from phenylalanine 583.
Molecular consequence: frameshift variant.
Genome position (GRCh38, 1-based): chr4:5,783,734-5,783,735, CT deleted; deleting any 2 consecutive bases within chr4:5,783,732-5,783,735 gives the same sequence; the c. name uses the placement nearest the transcript's 3' end. VCF-style (leftmost placement, unchanged base first): chr4-5783731-ACT-A. GRCh37 (hg19) VCF-style: chr4-5785458-ACT-A.
Other names: c.1746_1747del (NM_153717.2); c.1746_1747del, p.Phe583fs (NM_001306090.2); short protein forms F583fs.
Identifiers: ClinVar variation 1074980 (VCV001074980.9), dbSNP rs2152289369, ClinGen allele CA2580616068.

ClinVar aggregate classification (germline): Pathogenic/Likely pathogenic. Review status: criteria provided, multiple submitters, no conflicts (2 of 4 stars). 2 submissions from 2 submitters: Pathogenic (1); Likely pathogenic (1). Last evaluated 2024-05-10.

Conditions:
Curry-Hall syndrome (WAD). Also called: WEYERS ACRODENTAL DYSOSTOSIS. Identifiers: Orphanet 952, MedGen C0457013, MONDO:0008673, OMIM 193530.
Ellis-van Creveld syndrome (EVC). Also called: Chondroectodermal dysplasia; MESOECTODERMAL DYSPLASIA; EVC-Related Ellis-van Creveld Syndrome; EVC2-Related Ellis-van Creveld Syndrome. Identifiers: Orphanet 289, MedGen C0013903, MONDO:0009162, OMIM 225500.

Submissions (2):

Natera, Inc.
Classification: Likely pathogenic for Ellis-van Creveld syndrome. Last evaluated: 2024-05-10. Review status: criteria provided, single submitter. Criteria: Natera Variant Classification Schema (03/2026). Collection method: clinical testing. Allele origin: germline.
Comment: The c.1746_1747del variant in EVC is a frameshift variant predicted to shift the reading frame beginning at codon 583 and leads to a stop codon 45 codons downstream. This variant is expected to result in nonsense mediated decay, truncation, or a dysfunctional protein product. This variant is rare in the general population with a frequency below the threshold expected for the associated phenotype(s). Given the available evidence, this variant is classified as Likely Pathogenic.

Labcorp Genetics (formerly Invitae), Labcorp
Classification: Pathogenic for Curry-Hall syndrome; Ellis-van Creveld syndrome. Last evaluated: 2023-12-28. Review status: criteria provided, single submitter. Criteria: Invitae Variant Classification Sherloc (09022015). Collection method: clinical testing. Allele origin: germline.
Comment: This sequence change creates a premature translational stop signal (p.Phe583Profs*45) in the EVC gene. It is expected to result in an absent or disrupted protein product. Loss-of-function variants in EVC are known to be pathogenic (PMID: 23220543). This variant is not present in population databases (gnomAD no frequency). This variant has not been reported in the literature in individuals affected with EVC-related conditions. For these reasons, this variant has been classified as Pathogenic.

Literature cited by the submitters: PubMed 23220543 (cited by Labcorp Genetics (formerly Invitae), Labcorp).